The following is an entry in ClinVar:

NM_014994.3(MAPKBP1):c.263G>A (p.Ser88Asn)

Gene: MAPKBP1 (mitogen-activated protein kinase binding protein 1; plus strand). Cytogenetic location: 15q15.1.
Variant type: single nucleotide variant.
Coding change: c.263G>A on transcript NM_014994.3 (MANE Select); coding-DNA position 263, G replaced by A.
Protein change: p.Ser88Asn; replaces serine 88 with asparagine.
Molecular consequence: missense variant. On other transcripts: non-coding transcript variant (2).
Genome position (GRCh38, 1-based): chr15:41,810,939, G>A. VCF-style: chr15-41810939-G-A. GRCh37 (hg19) VCF-style: chr15-42103137-G-A.
Other names: c.263G>A, p.Ser88Asn (NM_001128608.2, NM_001265611.2); short protein forms S88N.
Identifiers: ClinVar variation 2045852 (VCV002045852.3), dbSNP rs200453027, ClinGen allele CA7497479.

ClinVar aggregate classification (germline): Uncertain significance. Review status: criteria provided, multiple submitters, no conflicts (2 of 4 stars). 2 submissions from 2 submitters: Uncertain significance (2). Last evaluated 2025-04-01.

Conditions:
Inborn genetic diseases. Identifiers: MedGen C0950123, MeSH D030342.

Allele frequency attached by ClinVar (database versions not stated): gnomAD 0.00011; ExAC 0.00012; TOPMed 0.00013; gnomAD exomes 0.00026.

Submissions (2):

Ambry Genetics
Classification: Uncertain significance for Inborn genetic diseases. Last evaluated: 2025-04-01. Review status: criteria provided, single submitter. Criteria: Ambry Variant Classification Scheme 2023. Collection method: clinical testing. Allele origin: germline.

Labcorp Genetics (formerly Invitae), Labcorp
Classification: Uncertain significance. Last evaluated: 2022-07-06. Review status: criteria provided, single submitter. Criteria: Invitae Variant Classification Sherloc (09022015). Collection method: clinical testing. Allele origin: germline.
Comment: This sequence change replaces serine, which is neutral and polar, with asparagine, which is neutral and polar, at codon 88 of the MAPKBP1 protein (p.Ser88Asn). This variant is present in population databases (rs200453027, gnomAD 0.02%). This variant has not been reported in the literature in individuals affected with MAPKBP1-related conditions. Algorithms developed to predict the effect of missense changes on protein structure and function (SIFT, PolyPhen-2, Align-GVGD) all suggest that this variant is likely to be tolerated. In summary, the available evidence is currently insufficient to determine the role of this variant in disease. Therefore, it has been classified as a Variant of Uncertain Significance.